The following is an entry in ClinVar:

ClinVar aggregate classification (germline): Likely pathogenic (1 of 4 stars; one submission).

Conditions:
Hypophosphatasia. Also called: Phosphoethanol-aminuria. Identifiers: Orphanet 436, MedGen C0020630, MeSH D007014, MONDO:0018570.

Submission:

Genomenon, Inc
Classification: Likely pathogenic for Hypophosphatasia. Last evaluated: 2025-08-29. Review status: criteria provided, single submitter. Criteria: Genomenon Sequence Variant Interpretation Standards. Collection method: curation. Allele origin: germline. Affected: yes.
Comment: ALPL p.Asn393Ser (c.1178A>G) is a missense variant that changes the amino acid at residue 393 from Asparagine to Serine. This variant has been observed in at least one proband affected with hypophosphatasia (PMID:34712267). The variant was found to segregate with disease in at least one affected family (PMID:34712267). It has been observed in trans with a pathogenic variant (PMID:34712267). It is absent or not present at a significant frequency in gnomAD. In conclusion, we classify ALPL p.Asn393Ser (c.1178A>G) as a likely pathogenic variant.

Literature cited by the submitters: PubMed 34712267.

NM_000478.6(ALPL):c.1178A>G (p.Asn393Ser)

Gene: ALPL (alkaline phosphatase, biomineralization associated; plus strand). Cytogenetic location: 1p36.12.
Variant type: single nucleotide variant.
Coding change: c.1178A>G on transcript NM_000478.6 (MANE Select); coding-DNA position 1178, A replaced by G.
Protein change: p.Asn393Ser; replaces asparagine 393 with serine.
Molecular consequence: missense variant.
Genome position (GRCh38, 1-based): chr1:21,575,913, A>G. VCF-style: chr1-21575913-A-G. GRCh37 (hg19) VCF-style: chr1-21902406-A-G.
Other names: c.1013A>G, p.Asn338Ser (NM_001127501.4); c.947A>G, p.Asn316Ser (NM_001177520.3); c.1178A>G, p.Asn393Ser (NM_001369803.2, NM_001369804.2, NM_001369805.2); short protein forms N316S, N338S, N393S.
Identifiers: ClinVar variation 4086873 (VCV004086873.1).